The following is an entry in ClinVar:

NM_000540.3(RYR1):c.825G>T (p.Trp275Cys)

Gene: RYR1 (ryanodine receptor 1; plus strand). Cytogenetic location: 19q13.2.
Variant type: single nucleotide variant.
Coding change: c.825G>T on transcript NM_000540.3 (MANE Select); coding-DNA position 825, G replaced by T.
Protein change: p.Trp275Cys; replaces tryptophan 275 with cysteine.
Molecular consequence: missense variant.
Genome position (GRCh38, 1-based): chr19:38,448,379, G>T. VCF-style: chr19-38448379-G-T. GRCh37 (hg19) VCF-style: chr19-38939019-G-T.
Other names: c.825G>T, p.Trp275Cys (NM_001042723.2); short protein forms W275C.
Identifiers: ClinVar variation 1462128 (VCV001462128.7), dbSNP rs138687891, ClinGen allele CA071744.

ClinVar aggregate classification (germline): Uncertain significance. Review status: criteria provided, multiple submitters, no conflicts (2 of 4 stars). 2 submissions from 2 submitters: Uncertain significance (2). Last evaluated 2025-08-17.

Conditions:
RYR1-related disorder. Also called: RYR1-related condition; RYR1-related disorders. Identifiers: MedGen CN239331.
Congenital multicore myopathy with external ophthalmoplegia (CMYO1B). Also called: Minicore myopathy with external ophthalmoplegia; MULTICORE MYOPATHY; Congenital myopathy 1B, autosomal recessive; Minicore myopathy; MULTIMINICORE DISEASE WITH EXTERNAL OPHTHALMOPLEGIA. Identifiers: Orphanet 598, Orphanet 98905, MedGen C1850674, MONDO:0009712, OMIM 255320, HP:0003789.
Congenital myopathy with fiber type disproportion. Also called: Congenital fiber-type disproportion myopathy; Congenital fiber-type disproportion. Identifiers: Orphanet 2020, MedGen C0546264, MONDO:0009711. Inheritance: all.
Central core myopathy (CMYO1A). Also called: Central core disease; Myopathy, central fibrillar; CONGENITAL MYOPATHY 1A, AUTOSOMAL DOMINANT, WITH SUSCEPTIBILITY TO MALIGNANT HYPERTHERMIA. Identifiers: Orphanet 597, MedGen C5830701, MONDO:0007294, OMIM 117000.
Malignant hyperthermia, susceptibility to, 1 (MHS1). Also called: RYR1-Related Malignant Hyperthermia Susceptibility; Malignant hyperthermia suceptibility 1; Anesthesia related hyperthermia; Malignant hyperpyrexia; Fulminating hyperpyrexia; Pharmacogenic myopathy. Identifiers: Orphanet 423, MedGen C2930980, MONDO:0007783, OMIM 145600.
King Denborough syndrome (KDS). Identifiers: MedGen C1840365, MONDO:0020485, OMIM 619542.

Allele frequency attached by ClinVar (database versions not stated): gnomAD exomes below 0.00001; gnomAD 0.00003; TOPMed 0.00003; ESP Exome Variant Server 0.00008.
gnomAD v4.1: 8 of 1,610,576 alleles (0.0005%); highest among the groups gnomAD compares: African/African-American, 0.0093%; no homozygotes.

Submissions (2):

Labcorp Genetics (formerly Invitae), Labcorp
Classification: Uncertain significance for RYR1-related disorder. Last evaluated: 2025-08-17. Review status: criteria provided, single submitter. Criteria: Invitae Variant Classification Sherloc (09022015). Collection method: clinical testing. Allele origin: germline.
Comment: This sequence change replaces tryptophan, which is neutral and slightly polar, with cysteine, which is neutral and slightly polar, at codon 275 of the RYR1 protein (p.Trp275Cys). This variant is present in population databases (rs138687891, gnomAD 0.02%). This variant has not been reported in the literature in individuals affected with RYR1-related conditions. ClinVar contains an entry for this variant (Variation ID: 1462128). Invitae Evidence Modeling of protein sequence and biophysical properties (such as structural, functional, and spatial information, amino acid conservation, physicochemical variation, residue mobility, and thermodynamic stability) indicates that this missense variant is expected to disrupt RYR1 protein function with a positive predictive value of 95%. In summary, the available evidence is currently insufficient to determine the role of this variant in disease. Therefore, it has been classified as a Variant of Uncertain Significance.

Fulgent Genetics
Classification: Uncertain significance for Central core myopathy; Malignant hyperthermia, susceptibility to, 1; Congenital myopathy 4A, autosomal dominant; Congenital multicore myopathy with external ophthalmoplegia; King Denborough syndrome. Last evaluated: 2021-07-16. Review status: criteria provided, single submitter. Criteria: ACMG Guidelines, 2015. Collection method: clinical testing. Allele origin: unknown.